The following is an entry in ClinVar:

ClinVar aggregate classification (germline): Uncertain significance (1 of 4 stars; one submission).

Conditions:
Primary dilated cardiomyopathy (DCM). Also called: Dilated Cardiomyopathy. Identifiers: Orphanet 217604, MedGen C0007193, MeSH D002311, MONDO:0005021, HP:0001644. Inheritance: Various modes of inheritance.

Submission:

Labcorp Genetics (formerly Invitae), Labcorp
Classification: Uncertain significance for Primary dilated cardiomyopathy. Last evaluated: 2022-03-19. Review status: criteria provided, single submitter. Criteria: Invitae Variant Classification Sherloc (09022015). Collection method: clinical testing. Allele origin: germline.
Comment: In summary, the available evidence is currently insufficient to determine the role of this variant in disease. Therefore, it has been classified as a Variant of Uncertain Significance. Algorithms developed to predict the effect of sequence changes on RNA splicing suggest that this variant may create or strengthen a splice site. Experimental studies and prediction algorithms are not available or were not evaluated, and the functional significance of this variant is currently unknown. ClinVar contains an entry for this variant (Variation ID: 941278). This variant has not been reported in the literature in individuals affected with NEBL-related conditions. Information on the frequency of this variant in the gnomAD database is not available, as this variant may be reported differently in the database. This sequence change replaces glutamine, which is neutral and polar, with lysine, which is basic and polar, at codon 256 of the NEBL protein (p.Gln256Lys).

NM_006393.3(NEBL):c.765_766delinsAA (p.Gln256Lys)

Gene: NEBL (nebulette; minus strand). Cytogenetic location: 10p12.31.
Variant type: Indel.
Coding change: c.765_766delinsAA on transcript NM_006393.3 (MANE Select); coding-DNA positions 765 to 766, GC replaced by AA.
Protein change: p.Gln256Lys; replaces glutamine 256 with lysine.
Molecular consequence: missense variant. On other transcripts: intron variant (9).
Genome position (GRCh38, 1-based): chr10:20,859,745-20,859,746, GC replaced by TT on the plus strand (GC replaced by AA on the coding strand, the reverse complement: NEBL is on the minus strand). VCF-style: chr10-20859745-GC-TT. GRCh37 (hg19) VCF-style: chr10-21148674-GC-TT.
Other names: c.250-46806_250-46805delinsAA (NM_001377326.1, NM_001377327.1, NM_001377328.1); c.358-46806_358-46805delinsAA (NM_213569.2, NM_001173484.2, NM_001377322.1); c.301-46806_301-46805delinsAA (NM_001377324.1); c.292-46806_292-46805delinsAA (NM_001377325.1); c.310-46806_310-46805delinsAA (NM_001377323.1); short protein forms Q256K.
Identifiers: ClinVar variation 941278 (VCV000941278.10), dbSNP rs1843470481, ClinGen allele CA1139661406.